The following is an entry in ClinVar:

NM_001267550.2(TTN):c.69715_69715+3dup

Genes: TTN (titin; minus strand), TTN-AS1 (TTN antisense RNA 1; plus strand), LOC126806422 (BRD4-independent group 4 enhancer GRCh37_chr2:179440205-179441404; plus strand). Cytogenetic location: 2q31.2.
Variant type: Duplication.
Coding change: c.69715_69715+3dup on transcript NM_001267550.2 (MANE Select); coding-DNA position 69715 through 3 bases into the intron after coding-DNA position 69715, 4 bases duplicated (TGTT; older notation c.69715_69715+3dupTGTT).
Molecular consequence: splice donor variant.
Genome position (GRCh38, 1-based): chr2:178,576,526-178,576,529, AACA duplicated on the plus strand (TGTT on the coding strand, the reverse complement: TTN is on the minus strand). VCF-style (leftmost placement, unchanged base first): chr2-178576525-T-TAACA. GRCh37 (hg19) VCF-style: chr2-179441252-T-TAACA.
Other names: c.42520_42520+3dup (NM_003319.4); c.43096_43096+3dup (NM_133437.4); c.42895_42895+3dup (NM_133432.3); c.62011_62011+3dup (NM_133378.4); c.64792_64792+3dup (NM_001256850.1).
Identifiers: ClinVar variation 1409006 (VCV001409006.8), dbSNP rs2154173093, ClinGen allele CA2573134326.
Genomic context (GRCh38, chr2:178,576,525, plus strand): 5'-TGGGTAATTTAGATAAAATATTGGCACTCTGGAATGAACGGTGTTGAAAAAGACAAATAC[T>TAACA]AACATGCTGCATCTTTCATCAGAACAGAATCTGAAGCCTCACTGGGTGGACCAATTCCTG-3'

ClinVar aggregate classification (germline): Uncertain significance (1 of 4 stars; one submission).

Conditions:
Autosomal recessive limb-girdle muscular dystrophy type 2J (LGMDR10). Also called: MUSCULAR DYSTROPHY, LIMB-GIRDLE, AUTOSOMAL RECESSIVE 10; Limb-girdle muscular dystrophy, type 2J. Identifiers: Orphanet 140922, MedGen C1837342, MONDO:0012127, OMIM 608807.
Dilated cardiomyopathy 1G (CMD1G). Identifiers: Orphanet 154, MedGen C1858763, MONDO:0011400, OMIM 604145.

Submission:

Labcorp Genetics (formerly Invitae), Labcorp
Classification: Uncertain significance for Dilated cardiomyopathy 1G; Autosomal recessive limb-girdle muscular dystrophy type 2J. Last evaluated: 2022-05-25. Review status: criteria provided, single submitter. Criteria: Invitae Variant Classification Sherloc (09022015). Collection method: clinical testing. Allele origin: germline.
Comment: Variants that disrupt the consensus splice site are a relatively common cause of aberrant splicing (PMID: 17576681, 9536098). Algorithms developed to predict the effect of sequence changes on RNA splicing suggest that this variant may disrupt the consensus splice site. This variant is located in the A band of TTN (PMID: 25589632). Variants in this region may be relevant for cardiac or neuromuscular disorders (PMID: 25589632, 23975875). In summary, the available evidence is currently insufficient to determine the role of this variant in disease. Therefore, it has been classified as a Variant of Uncertain Significance. This variant has not been reported in the literature in individuals affected with TTN-related conditions. This sequence change falls in intron 325 of the TTN gene. It does not directly change the encoded amino acid sequence of the TTN protein. It affects a nucleotide within the consensus splice site. This variant is not present in population databases (gnomAD no frequency).

Literature cited by the submitters: PubMed 17576681; PubMed 9536098; PubMed 25589632; PubMed 23975875.